The following is an entry in ClinVar:

NM_003743.5(NCOA1):c.566G>A (p.Arg189Gln)

Gene: NCOA1 (nuclear receptor coactivator 1; plus strand). Cytogenetic location: 2p23.3.
Variant type: single nucleotide variant.
Coding change: c.566G>A on transcript NM_003743.5 (MANE Select); coding-DNA position 566, G replaced by A.
Protein change: p.Arg189Gln; replaces arginine 189 with glutamine.
Molecular consequence: missense variant.
Genome position (GRCh38, 1-based): chr2:24,691,514, G>A. VCF-style: chr2-24691514-G-A. GRCh37 (hg19) VCF-style: chr2-24914383-G-A.
Other names: c.566G>A, p.Arg189Gln (NM_001362950.1, NM_001362952.1, NM_001362954.1 and 3 more transcripts); short protein forms R189Q.
Identifiers: ClinVar variation 4979528 (VCV004979528.1).

ClinVar aggregate classification (germline): Uncertain significance (1 of 4 stars; one submission).

Conditions:
NCOA1-related disorder. Also called: NCOA1-related condition.

gnomAD v4.1: 3 of 1,613,988 alleles (0.00019%); highest among the groups gnomAD compares: South Asian, 0.0011%; no homozygotes.

Submission:

PreventionGenetics, part of Exact Sciences
Classification: Uncertain significance for NCOA1-related condition. Last evaluated: 2026-07-08. Review status: criteria provided, single submitter. Criteria: ACMG Guidelines, 2015. Collection method: clinical testing. Allele origin: germline.
Comment: The NCOA1 c.566G>A variant is predicted to result in the amino acid substitution p.Arg189Gln. To our knowledge, this variant has not been reported in the literature or in a large population database (gnomAD), indicating this variant is rare. At this time, the clinical significance of this variant is uncertain due to the absence of conclusive functional and genetic evidence.